The following is an entry in ClinVar:

NM_001718.6(BMP6):c.283C>T (p.Pro95Ser)

Gene: BMP6 (bone morphogenetic protein 6; plus strand). Cytogenetic location: 6p24.3.
Variant type: single nucleotide variant.
Coding change: c.283C>T on transcript NM_001718.6 (MANE Select); coding-DNA position 283, C replaced by T.
Protein change: p.Pro95Ser; replaces proline 95 with serine.
Molecular consequence: missense variant.
Genome position (GRCh38, 1-based): chr6:7,727,238, C>T. VCF-style: chr6-7727238-C-T. GRCh37 (hg19) VCF-style: chr6-7727471-C-T.
Other names: P95S.
Identifiers: ClinVar variation 1801214 (VCV001801214.25), dbSNP rs199518216, ClinGen allele CA3628501.

ClinVar aggregate classification (germline): Likely benign. Review status: criteria provided, single submitter (1 of 4 stars). 2 submissions from 2 submitters: Likely benign (1). 1 of the submissions does not count toward it. Last evaluated 2022-08-01.

Conditions:
Iron overload, susceptibility to (IO). Identifiers: MedGen C5703292, MONDO:0859316, OMIM 620121.

Allele frequency attached by ClinVar (database versions not stated): 1000 Genomes Project 30x 0.00016; 1000 Genomes Project 0.00020; ESP Exome Variant Server 0.00058.
gnomAD v4.1: 526 of 1,606,518 alleles (0.033%); highest among the groups gnomAD compares: Middle Eastern, 0.067%; 1 homozygote.

Submissions (2):

CeGaT Center for Human Genetics Tuebingen
Classification: Likely benign. Last evaluated: 2022-08-01. Review status: criteria provided, single submitter. Criteria: CeGaT Center For Human Genetics Tuebingen Variant Classification Criteria Version 2. Collection method: clinical testing. Allele origin: germline. Affected: yes. Observed: 1 variant allele.
Comment: BMP6: BS2

OMIM
Classification: risk factor for IRON OVERLOAD, SUSCEPTIBILITY TO. Last evaluated: 2022-11-28. Review status: no assertion criteria provided. Collection method: literature only. Allele origin: germline. Not counted in ClinVar's aggregate classification.

Literature cited by the submitters: PubMed 26582087 (cited by OMIM).